The following is an entry in ClinVar:

NM_001243133.2(NLRP3):c.277G>C (p.Gly93Arg)

Gene: NLRP3 (NLR family pyrin domain containing 3; plus strand). Cytogenetic location: 1q44.
Variant type: single nucleotide variant.
Coding change: c.277G>C on transcript NM_001243133.2 (MANE Select); coding-DNA position 277, G replaced by C.
Protein change: p.Gly93Arg; replaces glycine 93 with arginine.
Molecular consequence: missense variant.
Genome position (GRCh38, 1-based): chr1:247,419,077, G>C. VCF-style: chr1-247419077-G-C. GRCh37 (hg19) VCF-style: chr1-247582379-G-C.
Other names: c.277G>C, p.Gly93Arg (NM_001127462.3, NM_183395.3, NM_001079821.3 and 1 more transcripts); c.283G>C, p.Gly95Arg (NM_004895.5); short protein forms G93R, G95R.
Identifiers: ClinVar variation 3722010 (VCV003722010.2).

ClinVar aggregate classification (germline): Uncertain significance (1 of 4 stars; one submission).

Conditions:
Cryopyrin associated periodic syndrome (CAPS). Identifiers: Orphanet 208650, MedGen C2316212, MONDO:0016168.

Submission:

Labcorp Genetics (formerly Invitae), Labcorp
Classification: Uncertain significance for Cryopyrin associated periodic syndrome. Last evaluated: 2024-10-02. Review status: criteria provided, single submitter. Criteria: Invitae Variant Classification Sherloc (09022015). Collection method: clinical testing. Allele origin: germline.
Comment: This sequence change replaces glycine, which is neutral and non-polar, with arginine, which is basic and polar, at codon 95 of the NLRP3 protein (p.Gly95Arg). This variant also falls at the last nucleotide of exon 1, which is part of the consensus splice site for this exon. This variant is not present in population databases (gnomAD no frequency). This variant has not been reported in the literature in individuals affected with NLRP3-related conditions. An algorithm developed to predict the effect of missense changes on protein structure and function (PolyPhen-2) suggests that this variant is likely to be tolerated. Variants that disrupt the consensus splice site are a relatively common cause of aberrant splicing (PMID: 17576681, 9536098). Algorithms developed to predict the effect of sequence changes on RNA splicing suggest that this variant may disrupt the consensus splice site. In summary, the available evidence is currently insufficient to determine the role of this variant in disease. Therefore, it has been classified as a Variant of Uncertain Significance.

Literature cited by the submitters: PubMed 17576681; PubMed 9536098.